The following is an entry in ClinVar:

NM_133259.4(LRPPRC):c.1649+6A>G

Genes: LRPPRC (leucine rich pentatricopeptide repeat containing; minus strand), LOC129388857 (MPRA-validated peak3685 silencer; plus strand). Cytogenetic location: 2p21.
Variant type: single nucleotide variant.
Coding change: c.1649+6A>G on transcript NM_133259.4 (MANE Select); 6 bases into the intron after coding-DNA position 1649, A replaced by G.
Molecular consequence: intron variant.
Genome position (GRCh38, 1-based): chr2:43,957,379, T>C on the plus strand (A>G on the coding strand, the complement: LRPPRC is on the minus strand). VCF-style: chr2-43957379-T-C. GRCh37 (hg19) VCF-style: chr2-44184518-T-C.
Identifiers: ClinVar variation 1520822 (VCV001520822.6), dbSNP rs1473441639, ClinGen allele CA532288085.

ClinVar aggregate classification (germline): Uncertain significance (1 of 4 stars; one submission).

Allele frequency attached by ClinVar (database versions not stated): gnomAD exomes below 0.00001.
gnomAD v4.1: 1 of 1,605,592 alleles (0.000062%); highest among the groups gnomAD compares: Admixed American, 0.0017%; no homozygotes.

Submission:

Labcorp Genetics (formerly Invitae), Labcorp
Classification: Uncertain significance. Last evaluated: 2022-07-12. Review status: criteria provided, single submitter. Criteria: Invitae Variant Classification Sherloc (09022015). Collection method: clinical testing. Allele origin: germline.
Comment: This sequence change falls in intron 14 of the LRPPRC gene. It does not directly change the encoded amino acid sequence of the LRPPRC protein. It affects a nucleotide within the consensus splice site. In summary, the available evidence is currently insufficient to determine the role of this variant in disease. Therefore, it has been classified as a Variant of Uncertain Significance. Variants that disrupt the consensus splice site are a relatively common cause of aberrant splicing (PMID: 17576681, 9536098). Algorithms developed to predict the effect of sequence changes on RNA splicing suggest that this variant is not likely to affect RNA splicing. ClinVar contains an entry for this variant (Variation ID: 1520822). This variant has not been reported in the literature in individuals affected with LRPPRC-related conditions. This variant is present in population databases (no rsID available, gnomAD 0.003%).

Literature cited by the submitters: PubMed 17576681; PubMed 9536098.